The following is an entry in ClinVar:

ClinVar aggregate classification (germline): Uncertain significance (1 of 4 stars; one submission).

Conditions:
Hereditary cancer-predisposing syndrome. Also called: Hereditary Cancer Syndrome; Hereditary neoplastic syndrome; Neoplastic Syndromes, Hereditary; Tumor predisposition. Identifiers: Orphanet 140162, MedGen C0027672, MeSH D009386, MONDO:0015356.

Submission:

Ambry Genetics
Classification: Uncertain significance for Hereditary cancer-predisposing syndrome. Last evaluated: 2026-07-07. Review status: criteria provided, single submitter. Criteria: Ambry Variant Classification Scheme 2023. Collection method: clinical testing. Allele origin: germline.
Comment: The p.C638S variant (also known as c.1913G>C), located in coding exon 15 of the BAP1 gene, results from a G to C substitution at nucleotide position 1913. The cysteine at codon 638 is replaced by serine, an amino acid with dissimilar properties. This amino acid position is conserved. In addition, this alteration is predicted to be tolerated by in silico analysis. Based on the available evidence, the clinical significance of this variant remains unclear.

NM_004656.4(BAP1):c.1913G>C (p.Cys638Ser)

Gene: BAP1 (BRCA1 associated deubiquitinase 1; minus strand). Cytogenetic location: 3p21.1.
Variant type: single nucleotide variant.
Coding change: c.1913G>C on transcript NM_004656.4 (MANE Select); coding-DNA position 1913, G replaced by C.
Protein change: p.Cys638Ser; replaces cysteine 638 with serine.
Molecular consequence: missense variant.
Genome position (GRCh38, 1-based): chr3:52,402,849, C>G on the plus strand (G>C on the coding strand, the complement: BAP1 is on the minus strand). VCF-style: chr3-52402849-C-G. GRCh37 (hg19) VCF-style: chr3-52436865-C-G.
Other names: c.1859G>C, p.Cys620Ser (NM_001410772.1); short protein forms C638S, C620S.
Identifiers: ClinVar variation 2540777 (VCV002540777.3), dbSNP rs1370183756, ClinGen allele CA353096844.